The following is an entry in ClinVar:

ClinVar aggregate classification (germline): Likely pathogenic. Review status: criteria provided, multiple submitters, no conflicts (2 of 4 stars). 2 submissions from 2 submitters: Likely pathogenic (2). Last evaluated 2023-11-23.

Conditions:
Intellectual developmental disorder with macrocephaly, seizures, and speech delay. Identifiers: MedGen C4748428, MONDO:0032568, OMIM 618158.

Submissions (2):

Institute of Human Genetics, University of Leipzig Medical Center
Classification: Likely pathogenic for Intellectual developmental disorder with macrocephaly, seizures, and speech delay. Last evaluated: 2023-11-23. Review status: criteria provided, single submitter. Criteria: ACMG Guidelines, 2015. Collection method: clinical testing. Allele origin: de novo. Inheritance: Autosomal dominant inheritance. Affected: yes.
Comment: Criteria applied: PS2_MOD,PM1,PM5,PS4_SUP,PM2_SUP,PP3; Re-Eval 23.11.2023 RoJ

Johns Hopkins Genomics, Johns Hopkins University
Classification: Likely pathogenic for Intellectual developmental disorder with macrocephaly, seizures, and speech delay. Last evaluated: 2021-07-09. Review status: criteria provided, single submitter. Criteria: ACMG Guidelines, 2015. Collection method: clinical testing. Allele origin: germline.
Comment: This PAK1 variant is absent from a large population dataset and has not been reported in the literature, to our knowledge. It has an entry in ClinVar. Three bioinformatics tools queried predict that this substitution would be damaging, and the leucine residue at this position is conserved across all vertebrate species assessed. This leucine to arginine substitution is located in PAK1 kinase domain. The crystal structure of the human PAK1 protein shows this residue (Leu470) interacts with the inhibitory switch (IS) domain, which is required for autoinhibition of PAK1 kinase activity. This variant is not predicted to affect normal exon 13 splicing, although this has not been confirmed experimentally to our knowledge. We consider c.1409T>G to be likely pathogenic.

Literature cited by the submitters: PubMed 10975528 (cited by Johns Hopkins Genomics, Johns Hopkins University); PubMed 30290153 (cited by Johns Hopkins Genomics, Johns Hopkins University).

NM_002576.5(PAK1):c.1409T>G (p.Leu470Arg)

Gene: PAK1 (p21 (RAC1) activated kinase 1; minus strand). Cytogenetic location: 11q13.5.
Variant type: single nucleotide variant.
Coding change: c.1409T>G on transcript NM_002576.5 (MANE Select); coding-DNA position 1409, T replaced by G.
Protein change: p.Leu470Arg; replaces leucine 470 with arginine.
Molecular consequence: missense variant. On other transcripts: non-coding transcript variant (2).
Genome position (GRCh38, 1-based): chr11:77,336,090, A>C on the plus strand (T>G on the coding strand, the complement: PAK1 is on the minus strand). VCF-style: chr11-77336090-A-C. GRCh37 (hg19) VCF-style: chr11-77047135-A-C.
Other names: c.1409T>G, p.Leu470Arg (NM_001128620.2, NM_001376268.1, NM_001376269.1 and 21 more transcripts); c.1430T>G, p.Leu477Arg (NM_001376272.1); c.1286T>G, p.Leu429Arg (NM_001376290.1, NM_001376291.1); c.1400T>G, p.Leu467Arg (NM_001376294.1); c.1232T>G, p.Leu411Arg (NM_001376295.1); c.1160T>G, p.Leu387Arg (NM_001376301.1); c.1115T>G, p.Leu372Arg (NM_001376302.1, NM_001376304.1, NM_001376305.1); c.1121T>G, p.Leu374Arg (NM_001376303.1); short protein forms L372R, L374R, L387R, L411R, L429R, L467R, L470R, L477R.
Identifiers: ClinVar variation 982892 (VCV000982892.5), dbSNP rs1942648391, ClinGen allele CA382092820.